The following is an entry in ClinVar:

ClinVar aggregate classification (germline): Uncertain significance (1 of 4 stars; one submission).

gnomAD v4.1: 4 of 1,606,166 alleles (0.00025%); highest among the groups gnomAD compares: African/African-American, 0.0053%; no homozygotes.

Submission:

Labcorp Genetics (formerly Invitae), Labcorp
Classification: Uncertain significance. Last evaluated: 2022-09-06. Review status: criteria provided, single submitter. Criteria: Invitae Variant Classification Sherloc (09022015). Collection method: clinical testing. Allele origin: germline.
Comment: In summary, the available evidence is currently insufficient to determine the role of this variant in disease. Therefore, it has been classified as a Variant of Uncertain Significance. Algorithms developed to predict the effect of missense changes on protein structure and function (SIFT, PolyPhen-2, Align-GVGD) all suggest that this variant is likely to be tolerated. ClinVar contains an entry for this variant (Variation ID: 1489637). This variant has not been reported in the literature in individuals affected with PITPNM3-related conditions. This variant is present in population databases (rs767579255, gnomAD 0.007%). This sequence change replaces asparagine, which is neutral and polar, with lysine, which is basic and polar, at codon 921 of the PITPNM3 protein (p.Asn921Lys).

NM_031220.4(PITPNM3):c.2763C>G (p.Asn921Lys)

Gene: PITPNM3 (PITPNM family member 3; minus strand). Cytogenetic location: 17p13.2.
Variant type: single nucleotide variant.
Coding change: c.2763C>G on transcript NM_031220.4 (MANE Select); coding-DNA position 2763, C replaced by G.
Protein change: p.Asn921Lys; replaces asparagine 921 with lysine.
Molecular consequence: missense variant.
Genome position (GRCh38, 1-based): chr17:6,455,500, G>C on the plus strand (C>G on the coding strand, the complement: PITPNM3 is on the minus strand). VCF-style: chr17-6455500-G-C. GRCh37 (hg19) VCF-style: chr17-6358820-G-C.
Other names: c.2655C>G, p.Asn885Lys (NM_001165966.2); short protein forms N921K, N885K.
Identifiers: ClinVar variation 1489637 (VCV001489637.8), dbSNP rs767579255, ClinGen allele CA8329023.